The following is an entry in ClinVar:

NM_003072.5(SMARCA4):c.3546+2T>C

Gene: SMARCA4 (SWI/SNF related BAF chromatin remodeling complex subunit ATPase 4; plus strand). Cytogenetic location: 19p13.2.
Variant type: single nucleotide variant.
Coding change: c.3546+2T>C on transcript NM_003072.5 (MANE Select); the canonical splice donor site of the intron after coding-DNA position 3546, T replaced by C.
Molecular consequence: splice donor variant.
Genome position (GRCh38, 1-based): chr19:11,030,895, T>C. VCF-style: chr19-11030895-T-C. GRCh37 (hg19) VCF-style: chr19-11141571-T-C.
Other names: c.3546+2T>C (NM_001128844.3, NM_001128849.3, NM_001128847.4 and 6 more transcripts).
Identifiers: ClinVar variation 2085065 (VCV002085065.4), dbSNP rs1195642515, ClinGen allele CA404063628.

ClinVar aggregate classification (germline): Likely pathogenic (1 of 4 stars; one submission).

Conditions:
Rhabdoid tumor predisposition syndrome 2 (RTPS2). Identifiers: Orphanet 231108, Orphanet 69077, MedGen C2750074, MONDO:0013224, OMIM 613325.

Submission:

Labcorp Genetics (formerly Invitae), Labcorp
Classification: Likely pathogenic for Rhabdoid tumor predisposition syndrome 2. Last evaluated: 2022-01-16. Review status: criteria provided, single submitter. Criteria: Invitae Variant Classification Sherloc (09022015). Collection method: clinical testing. Allele origin: germline.
Comment: This variant has not been reported in the literature in individuals affected with SMARCA4-related conditions. In summary, the currently available evidence indicates that the variant is pathogenic, but additional data are needed to prove that conclusively. Therefore, this variant has been classified as Likely Pathogenic. Algorithms developed to predict the effect of sequence changes on RNA splicing suggest that this variant may disrupt the consensus splice site. This variant is not present in population databases (gnomAD no frequency). This sequence change affects a donor splice site in intron 25 of the SMARCA4 gene. It is expected to disrupt RNA splicing. Variants that disrupt the donor or acceptor splice site typically lead to a loss of protein function (PMID: 16199547), and loss-of-function variants in SMARCA4 are known to be pathogenic (PMID: 24658001, 24658002).

Literature cited by the submitters: PubMed 16199547; PubMed 24658001; PubMed 24658002.